The following is an entry in ClinVar:

ClinVar aggregate classification (germline): Likely benign (1 of 4 stars; one submission).

Allele frequency attached by ClinVar (database versions not stated): 1000 Genomes Project 0.00319; 1000 Genomes Project 30x 0.00328; ExAC 0.00608; TOPMed 0.00628; gnomAD 0.00690; ESP Exome Variant Server 0.00892.
gnomAD v4.1: 15,403 of 1,614,200 alleles (0.95%); highest among the groups gnomAD compares: Non-Finnish European, 1.1%; 96 homozygotes.

Submission:

CeGaT Center for Human Genetics Tuebingen
Classification: Likely benign. Last evaluated: 2024-02-01. Review status: criteria provided, single submitter. Criteria: CeGaT Center For Human Genetics Tuebingen Variant Classification Criteria Version 2. Collection method: clinical testing. Allele origin: germline. Affected: yes. Observed: 1 variant allele.
Comment: DIS3L: BP4, BS2

NM_001143688.3(DIS3L):c.2276G>A (p.Arg759His)

Gene: DIS3L (DIS3 like exosome 3'-5' exoribonuclease; plus strand). Cytogenetic location: 15q22.31.
Variant type: single nucleotide variant.
Coding change: c.2276G>A on transcript NM_001143688.3 (MANE Select); coding-DNA position 2276, G replaced by A.
Protein change: p.Arg759His; replaces arginine 759 with histidine.
Molecular consequence: missense variant.
Genome position (GRCh38, 1-based): chr15:66,329,044, G>A. VCF-style: chr15-66329044-G-A. GRCh37 (hg19) VCF-style: chr15-66621382-G-A.
Other names: c.2027G>A, p.Arg676His (NM_001323936.2, NM_001323945.2, NM_133375.5); c.1898G>A, p.Arg633His (NM_001323937.2); c.1874G>A, p.Arg625His (NM_001323938.2, NM_001323939.2, NM_001323941.2 and 1 more transcripts); c.1166G>A, p.Arg389His (NM_001323940.2, NM_001323943.2); c.2225G>A, p.Arg742His (NM_001323944.2); c.2096G>A, p.Arg699His (NM_001323948.2); short protein forms R699H, R742H, R759H, R389H, R625H, R633H, R676H.
Identifiers: ClinVar variation 3024738 (VCV003024738.22), dbSNP rs35711894, ClinGen allele CA7623246.